The following is an entry in ClinVar:

NM_015001.3(SPEN):c.8307G>A (p.Pro2769=)

Gene: SPEN (spen family transcriptional repressor; plus strand). Cytogenetic location: 1p36.13.
Variant type: single nucleotide variant.
Coding change: c.8307G>A on transcript NM_015001.3 (MANE Select); coding-DNA position 8307, G replaced by A.
Protein change: p.Pro2769=; no amino-acid change (proline 2769 retained).
Molecular consequence: synonymous variant.
Genome position (GRCh38, 1-based): chr1:15,934,547, G>A. VCF-style: chr1-15934547-G-A. GRCh37 (hg19) VCF-style: chr1-16261042-G-A.
Identifiers: ClinVar variation 3250613 (VCV003250613.18), dbSNP rs199667833.

ClinVar aggregate classification (germline): Likely benign (1 of 4 stars; one submission).

Allele frequency attached by ClinVar (database versions not stated): ESP Exome Variant Server 0.00015; gnomAD 0.00015; ExAC 0.00016; TOPMed 0.00023; 1000 Genomes Project 30x 0.00031; 1000 Genomes Project 0.00040.
gnomAD v4.1: 299 of 1,614,048 alleles (0.019%); highest among the groups gnomAD compares: African/African-American, 0.023%; no homozygotes.

Submission:

CeGaT Center for Human Genetics Tuebingen
Classification: Likely benign. Last evaluated: 2026-09-01. Review status: criteria provided, single submitter. Criteria: CeGaT Center For Human Genetics Tuebingen Variant Classification Criteria Version 2. Collection method: clinical testing. Allele origin: germline. Affected: yes. Observed: 2 variant alleles.
Comment: SPEN: BP4, BP7